The following is an entry in ClinVar:

NM_003036.4(SKI):c.2092C>T (p.Leu698=)

Gene: SKI (SKI proto-oncogene; plus strand). Cytogenetic location: 1p36.32.
Variant type: single nucleotide variant.
Coding change: c.2092C>T on transcript NM_003036.4 (MANE Select); coding-DNA position 2092, C replaced by T.
Protein change: p.Leu698=; no amino-acid change (leucine 698 retained).
Molecular consequence: synonymous variant.
Genome position (GRCh38, 1-based): chr1:2,306,670, C>T. VCF-style: chr1-2306670-C-T. GRCh37 (hg19) VCF-style: chr1-2238109-C-T.
Identifiers: ClinVar variation 626169 (VCV000626169.7), dbSNP rs766929334, ClinGen allele CA536853.

ClinVar aggregate classification (germline): Conflicting classifications of pathogenicity. Review status: criteria provided, conflicting classifications (1 of 4 stars). 3 submissions from 3 submitters: Uncertain significance (1); Likely benign (2). Last evaluated 2025-07-28.

Conditions:
Familial thoracic aortic aneurysm and aortic dissection (TAAD). Also called: Thoracic aortic aneurysms and dissections. Identifiers: Orphanet 91387, MedGen C4707243, MONDO:0019625.
Shprintzen-Goldberg syndrome (SGS). Also called: SHPRINTZEN-GOLDBERG CRANIOSYNOSTOSIS SYNDROME; CRANIOSYNOSTOSIS WITH ARACHNODACTYLY AND ABDOMINAL HERNIAS; Marfanoid disorder with craniosynostosis type 1; Marfanoid craniosynostosis syndrome; Shprintzen-Goldberg marfanoid syndrome. Identifiers: Orphanet 2462, MedGen C1321551, MONDO:0008426, OMIM 182212.

Allele frequency attached by ClinVar (database versions not stated): TOPMed 0.00003; ExAC below 0.00001; gnomAD 0.00004 and 0.00001; gnomAD exomes 0.00002 and 0.00007; 1000 Genomes Project 30x 0.00016.
gnomAD v4.1: 29 of 1,544,990 alleles (0.0019%); highest among the groups gnomAD compares: South Asian, 0.016%; no homozygotes.

Submissions (3):

Labcorp Genetics (formerly Invitae), Labcorp
Classification: Likely benign for Shprintzen-Goldberg syndrome. Last evaluated: 2025-07-28. Review status: criteria provided, single submitter. Criteria: Invitae Variant Classification Sherloc (09022015). Collection method: clinical testing. Allele origin: germline.

Ambry Genetics
Classification: Likely benign for Familial thoracic aortic aneurysm and aortic dissection. Last evaluated: 2021-12-16. Review status: criteria provided, single submitter. Criteria: Ambry Variant Classification Scheme 2023. Collection method: clinical testing. Allele origin: germline.

Center for Genomics, Ann and Robert H. Lurie Children's Hospital of Chicago
Classification: Uncertain significance for Shprintzen-Goldberg syndrome. Last evaluated: 2021-03-30. Review status: criteria provided, single submitter. Criteria: ACMG Guidelines, 2015. Collection method: clinical testing. Allele origin: germline.
Comment: SKI NM_003036 exon 7 p.Leu698Leu (c.2092C>T): This variant has not been reported in the literature but is present in 7/22414 South Asian alleles in the Genome Aggregation Database. Evolutionary conservation and computational predictive tools for this variant are limited or unavailable. Of note, this variant is a silent variant and does not change the amino acid, reducing the probability that this variant is disease causing. In summary, data on this variant is insufficient for disease classification. Therefore, the clinical significance of this variant is uncertain.